The following is an entry in ClinVar:

NM_000186.4(CFH):c.2830C>T (p.His944Tyr)

Gene: CFH (complement factor H; plus strand). Cytogenetic location: 1q31.3.
Variant type: single nucleotide variant.
Coding change: c.2830C>T on transcript NM_000186.4 (MANE Select); coding-DNA position 2830, C replaced by T.
Protein change: p.His944Tyr; replaces histidine 944 with tyrosine.
Molecular consequence: missense variant.
Genome position (GRCh38, 1-based): chr1:196,740,666, C>T. VCF-style: chr1-196740666-C-T. GRCh37 (hg19) VCF-style: chr1-196709796-C-T.
Other names: short protein forms H944Y.
Identifiers: ClinVar variation 3023307 (VCV003023307.3), dbSNP rs2529541466, ClinGen allele CA343981027.

ClinVar aggregate classification (germline): Uncertain significance (1 of 4 stars; one submission).

Allele frequency attached by ClinVar (database versions not stated): gnomAD exomes below 0.00001.
gnomAD v4.1: 1 of 1,613,762 alleles (0.000062%); highest among the groups gnomAD compares: Non-Finnish European, 0.000085%; no homozygotes.

Submission:

Labcorp Genetics (formerly Invitae), Labcorp
Classification: Uncertain significance. Last evaluated: 2023-01-24. Review status: criteria provided, single submitter. Criteria: Invitae Variant Classification Sherloc (09022015). Collection method: clinical testing. Allele origin: germline.
Comment: This sequence change replaces histidine, which is basic and polar, with tyrosine, which is neutral and polar, at codon 944 of the CFH protein (p.His944Tyr). This variant is not present in population databases (gnomAD no frequency). In summary, the available evidence is currently insufficient to determine the role of this variant in disease. Therefore, it has been classified as a Variant of Uncertain Significance. Algorithms developed to predict the effect of missense changes on protein structure and function (SIFT, PolyPhen-2, Align-GVGD) all suggest that this variant is likely to be tolerated. This variant has not been reported in the literature in individuals affected with CFH-related conditions.